The following is an entry in ClinVar:

ClinVar aggregate classification (germline): Uncertain significance. Review status: criteria provided, multiple submitters, no conflicts (2 of 4 stars). 2 submissions from 2 submitters: Uncertain significance (2). Last evaluated 2024-09-23.

Conditions:
Cardiomyopathy (CMYO). Also called: Cardiomyopathies. Identifiers: Orphanet 167848, MedGen C0878544, MONDO:0004994, HP:0001638. Inheritance: Various modes of inheritance.
Hypertrophic cardiomyopathy. Also called: HYPERTROPHIC MYOCARDIOPATHY. Identifiers: Orphanet 217569, MedGen C0007194, MeSH D002312, MONDO:0005045, HP:0001639.

Allele frequency attached by ClinVar (database versions not stated): gnomAD exomes 0.00001.
gnomAD v4.1: 4 of 1,614,092 alleles (0.00025%); highest among the groups gnomAD compares: Non-Finnish European, 0.00034%; no homozygotes.

Submissions (2):

All of Us Research Program, National Institutes of Health
Classification: Uncertain significance for Cardiomyopathy. Last evaluated: 2024-09-23. Review status: criteria provided, single submitter. Criteria: ACMG Guidelines, 2015. Collection method: clinical testing. Allele origin: germline. Inheritance: Autosomal dominant inheritance. Observed: 1 variant allele, 1 heterozygote.
Comment: This study involves interpretation of variants in research participants for the purpose of population health screening. Participant phenotype was not available at the time of variant classification. Additional details can be found in publication PMID: 35346344, PMCID: PMC8962531

Labcorp Genetics (formerly Invitae), Labcorp
Classification: Uncertain significance for Hypertrophic cardiomyopathy. Last evaluated: 2022-10-13. Review status: criteria provided, single submitter. Criteria: Invitae Variant Classification Sherloc (09022015). Collection method: clinical testing. Allele origin: germline.
Comment: This sequence change replaces threonine, which is neutral and polar, with isoleucine, which is neutral and non-polar, at codon 342 of the MYH7 protein (p.Thr342Ile). This variant is present in population databases (no rsID available, gnomAD 0.0009%). This missense change has been observed in individual(s) with clinical features of MYH7-related conditions (PMID: 30685992). Advanced modeling of protein sequence and biophysical properties (such as structural, functional, and spatial information, amino acid conservation, physicochemical variation, residue mobility, and thermodynamic stability) performed at Invitae indicates that this missense variant is expected to disrupt MYH7 protein function. Algorithms developed to predict the effect of sequence changes on RNA splicing suggest that this variant may create or strengthen a splice site. In summary, the available evidence is currently insufficient to determine the role of this variant in disease. Therefore, it has been classified as a Variant of Uncertain Significance.

Literature cited by the submitters: PubMed 30685992 (cited by Labcorp Genetics (formerly Invitae), Labcorp).

NM_000257.4(MYH7):c.1025C>T (p.Thr342Ile)

Gene: MYH7 (myosin heavy chain 7; minus strand). Cytogenetic location: 14q11.2.
Variant type: single nucleotide variant.
Coding change: c.1025C>T on transcript NM_000257.4 (MANE Select); coding-DNA position 1025, C replaced by T.
Protein change: p.Thr342Ile; replaces threonine 342 with isoleucine.
Molecular consequence: missense variant.
Genome position (GRCh38, 1-based): chr14:23,429,888, G>A on the plus strand (C>T on the coding strand, the complement: MYH7 is on the minus strand). VCF-style: chr14-23429888-G-A. GRCh37 (hg19) VCF-style: chr14-23899097-G-A.
Other names: c.1025C>T, p.Thr342Ile (NM_001407004.1); short protein forms T342I.
Identifiers: ClinVar variation 2021412 (VCV002021412.2), dbSNP rs1403599991, ClinGen allele CA389051521.
Genomic context (GRCh38, chr14:23,429,888, plus strand): 5'-ATGTTTCCAAAGTGCATGATGGCGCCTGTCAGCTTATACATGGAGTTTTTCTCCTCTGAA[G>A]TGAAGCCCAGCACATCAAAAGCGTTCTGTAGGGAGGCCCCATATTGGCGGACCCCAGAAA-3'
Protein context (NP_000248.2, residues 332-352): TDNAFDVLGF[Thr342Ile]SEEKNSMYKL